The following is an entry in ClinVar:

ClinVar aggregate classification (germline): Pathogenic (1 of 4 stars; one submission).

Submission:

GeneDx
Classification: Pathogenic. Last evaluated: 2024-03-08. Review status: criteria provided, single submitter. Criteria: GeneDx Variant Classification Process June 2021. Collection method: clinical testing. Allele origin: germline. Affected: yes.
Comment: Not observed at significant frequency in large population cohorts (gnomAD); In silico analysis supports that this missense variant has a deleterious effect on protein structure/function; This variant is associated with the following publications: (PMID: 31157197, 34326454)

NM_133433.4(NIPBL):c.6206T>A (p.Ile2069Asn)

Gene: NIPBL (NIPBL cohesin loading factor; plus strand). Cytogenetic location: 5p13.2.
Variant type: single nucleotide variant.
Coding change: c.6206T>A on transcript NM_133433.4 (MANE Select); coding-DNA position 6206, T replaced by A.
Protein change: p.Ile2069Asn; replaces isoleucine 2069 with asparagine.
Molecular consequence: missense variant.
Genome position (GRCh38, 1-based): chr5:37,044,444, T>A. VCF-style: chr5-37044444-T-A. GRCh37 (hg19) VCF-style: chr5-37044546-T-A.
Other names: c.6206T>A, p.Ile2069Asn (NM_015384.5); short protein forms I2069N.
Identifiers: ClinVar variation 3340713 (VCV003340713.1).